The following is an entry in ClinVar:

NM_000390.4(CHM):c.549_557delinsAGTTTTCT (p.Asp183fs)

Gene: CHM (CHM Rab escort protein; minus strand). Cytogenetic location: Xq21.2.
Variant type: Indel.
Coding change: c.549_557delinsAGTTTTCT on transcript NM_000390.4 (MANE Select); coding-DNA positions 549 to 557, TGATAAAAC replaced by AGTTTTCT.
Protein change: p.Asp183fs; shifts the reading frame from aspartic acid 183.
Molecular consequence: frameshift variant.
Genome position (GRCh38, 1-based): chrX:85,963,810-85,963,818, GTTTTATCA replaced by AGAAAACT on the plus strand (TGATAAAAC replaced by AGTTTTCT on the coding strand, the reverse complement: CHM is on the minus strand). VCF-style: chrX-85963810-GTTTTATCA-AGAAAACT. GRCh37 (hg19) VCF-style: chrX-85218815-GTTTTATCA-AGAAAACT.
Other names: c.105_113delinsAGTTTTCT, p.Asp35fs (NM_001320959.1, NM_001362517.1, NM_001362518.2 and 1 more transcripts); short protein forms D183fs, D35fs.
Identifiers: ClinVar variation 3639168 (VCV003639168.2).

ClinVar aggregate classification (germline): Pathogenic (1 of 4 stars; one submission).

Submission:

Labcorp Genetics (formerly Invitae), Labcorp
Classification: Pathogenic. Last evaluated: 2024-02-06. Review status: criteria provided, single submitter. Criteria: Invitae Variant Classification Sherloc (09022015). Collection method: clinical testing. Allele origin: germline.
Comment: This sequence change creates a premature translational stop signal (p.Asp183Glufs*14) in the CHM gene. It is expected to result in an absent or disrupted protein product. Loss-of-function variants in CHM are known to be pathogenic (PMID: 9067750, 23811034). Information on the frequency of this variant in the gnomAD database is not available, as this variant may be reported differently in the database. This premature translational stop signal has been observed in individual(s) with choroideremia (PMID: 12203991). This variant is also known as 579_587del9ins8 (E183fsX196). For these reasons, this variant has been classified as Pathogenic.

Literature cited by the submitters: PubMed 9067750; PubMed 23811034; PubMed 12203991.